The following is an entry in ClinVar:

NM_152703.5(SAMD9L):c.3339A>C (p.Ala1113=)

Gene: SAMD9L (sterile alpha motif domain containing 9 like; minus strand). Cytogenetic location: 7q21.2.
Variant type: single nucleotide variant.
Coding change: c.3339A>C on transcript NM_152703.5 (MANE Select); coding-DNA position 3339, A replaced by C.
Protein change: p.Ala1113=; no amino-acid change (alanine 1113 retained).
Molecular consequence: synonymous variant.
Genome position (GRCh38, 1-based): chr7:93,132,633, T>G on the plus strand (A>C on the coding strand, the complement: SAMD9L is on the minus strand). VCF-style: chr7-93132633-T-G. GRCh37 (hg19) VCF-style: chr7-92761946-T-G.
Other names: p.Ala1113=; c.3339A>C, p.Ala1113= (NM_001303496.3, NM_001303497.3, NM_001303498.3 and 5 more transcripts); c.3339A>C (NM_152703.2).
Identifiers: ClinVar variation 2192090 (VCV002192090.6), dbSNP rs368397638, ClinGen allele CA4343464.

ClinVar aggregate classification (germline): Likely benign. Review status: criteria provided, multiple submitters, no conflicts (2 of 4 stars). 3 submissions from 3 submitters: Likely benign (3). Last evaluated 2025-08-11.

Conditions:
Inborn genetic diseases. Identifiers: MedGen C0950123, MeSH D030342.

Allele frequency attached by ClinVar (database versions not stated): ExAC 0.00002; gnomAD 0.00003; TOPMed 0.00005; gnomAD exomes 0.00006; ESP Exome Variant Server 0.00008.
gnomAD v4.1: 94 of 1,613,536 alleles (0.0058%); highest among the groups gnomAD compares: Non-Finnish European, 0.0079%; no homozygotes.

Submissions (3):

Mayo Clinic Laboratories, Mayo Clinic
Classification: Likely benign. Last evaluated: 2025-08-11. Review status: criteria provided, single submitter. Criteria: ACMG Guidelines, 2015. Collection method: clinical testing. Allele origin: germline. Observed: 1 variant allele.
Comment: BP4, BP7

Labcorp Genetics (formerly Invitae), Labcorp
Classification: Likely benign. Last evaluated: 2025-05-13. Review status: criteria provided, single submitter. Criteria: Invitae Variant Classification Sherloc (09022015). Collection method: clinical testing. Allele origin: germline.

Ambry Genetics
Classification: Likely benign for Inborn genetic diseases. Last evaluated: 2024-10-15. Review status: criteria provided, single submitter. Criteria: Ambry Variant Classification Scheme 2023. Collection method: clinical testing. Allele origin: germline.